The following is an entry in ClinVar:

ClinVar aggregate classification (germline): Uncertain significance (1 of 4 stars; one submission).

Conditions:
Emery-Dreifuss muscular dystrophy 5, autosomal dominant (EDMD5). Also called: EMERY-DREIFUSS MUSCULAR DYSTROPHY 5. Identifiers: Orphanet 261, MedGen C2751805, MONDO:0013072, OMIM 612999.

Submission:

Labcorp Genetics (formerly Invitae), Labcorp
Classification: Uncertain significance for Emery-Dreifuss muscular dystrophy 5, autosomal dominant. Last evaluated: 2024-02-06. Review status: criteria provided, single submitter. Criteria: Invitae Variant Classification Sherloc (09022015). Collection method: clinical testing. Allele origin: germline.
Comment: This sequence change replaces glutamine, which is neutral and polar, with histidine, which is basic and polar, at codon 6645 of the SYNE2 protein (p.Gln6645His). This variant is not present in population databases (gnomAD no frequency). This variant has not been reported in the literature in individuals affected with SYNE2-related conditions. An algorithm developed to predict the effect of missense changes on protein structure and function (PolyPhen-2) suggests that this variant is likely to be disruptive. In summary, the available evidence is currently insufficient to determine the role of this variant in disease. Therefore, it has been classified as a Variant of Uncertain Significance.

NM_182914.3(SYNE2):c.19935A>C (p.Gln6645His)

Gene: SYNE2 (spectrin repeat containing nuclear envelope protein 2; plus strand). Cytogenetic location: 14q23.2.
Variant type: single nucleotide variant.
Coding change: c.19935A>C on transcript NM_182914.3 (MANE Select); coding-DNA position 19935, A replaced by C.
Protein change: p.Gln6645His; replaces glutamine 6645 with histidine.
Molecular consequence: missense variant.
Genome position (GRCh38, 1-based): chr14:64,220,511, A>C. VCF-style: chr14-64220511-A-C. GRCh37 (hg19) VCF-style: chr14-64687229-A-C.
Other names: c.19866A>C, p.Gln6622His (NM_015180.6); c.459A>C, p.Gln153His (NM_182910.2); c.837A>C, p.Gln279His (NM_182913.4); short protein forms Q153H, Q279H, Q6622H, Q6645H.
Identifiers: ClinVar variation 3622418 (VCV003622418.2).